The following is an entry in ClinVar:

NM_001365536.1(SCN9A):c.2517+72A>G

Genes: SCN1A-AS1 (SCN1A and SCN9A antisense RNA 1; plus strand), SCN9A (sodium voltage-gated channel alpha subunit 9; minus strand). Cytogenetic location: 2q24.3.
Variant type: single nucleotide variant.
Coding change: c.2517+72A>G on transcript NM_001365536.1 (MANE Select); 72 bases into the intron after coding-DNA position 2517, A replaced by G.
Molecular consequence: intron variant.
Genome position (GRCh38, 1-based): chr2:166,278,068, T>C on the plus strand (A>G on the coding strand, the complement: SCN9A is on the minus strand). VCF-style: chr2-166278068-T-C. GRCh37 (hg19) VCF-style: chr2-167134578-T-C.
Other names: c.2484+72A>G (NM_002977.4).
Identifiers: ClinVar variation 3255292 (VCV003255292.2), dbSNP rs10930215.

ClinVar aggregate classification (germline): Benign (1 of 4 stars; one submission).

Allele frequency attached by ClinVar (database versions not stated): gnomAD exomes 0.07926; gnomAD 0.11029; 1000 Genomes Project 0.11701; TOPMed 0.12201; 1000 Genomes Project 30x 0.12211.
gnomAD v4.1: 108,111 of 1,298,778 alleles (8.3%); highest among the groups gnomAD compares: Admixed American, 20%; 5,351 homozygotes.

Submission:

Unidad de Genómica Garrahan, Hospital de Pediatría Garrahan
Classification: Benign. Last evaluated: 2024-07-15. Review status: criteria provided, single submitter. Criteria: ACMG Guidelines, 2015. Collection method: clinical testing. Allele origin: germline. Affected: no. Observed: 31 variant alleles.
Comment: This variant is classified as Benign based on local population frequency. This variant was detected in 33% of patients studied in a panel designed for Epileptic and Developmental Encephalopathy and Progressive Myoclonus Epilepsy. Number of patients: 31. Only high quality variants are reported.